The following is an entry in ClinVar:

ClinVar aggregate classification (germline): Likely benign. Review status: criteria provided, single submitter (1 of 4 stars). 4 submissions from 4 submitters: Likely benign (1). 3 of the submissions do not count toward it. Last evaluated 2024-04-26.

Conditions:
TTN-related disorder. Also called: TTN-related condition; TTN-related disease; TTN-related disorders.

Allele frequency attached by ClinVar (database versions not stated): TOPMed 0.00001; gnomAD 0.00006; gnomAD exomes 0.00008 and 0.00020; ExAC 0.00022; 1000 Genomes Project 30x 0.00031; 1000 Genomes Project 0.00040.
gnomAD v4.1: 125 of 1,613,006 alleles (0.0077%); highest among the groups gnomAD compares: South Asian, 0.13%; 4 homozygotes.

Submissions (4):

Blueprint Genetics
Classification: Likely benign. Last evaluated: 2024-04-26. Review status: criteria provided, single submitter. Criteria: ACMG Guidelines, 2015. Collection method: clinical testing. Allele origin: germline.

PreventionGenetics, part of Exact Sciences
Classification: Likely benign for TTN-related condition. Last evaluated: 2023-11-16. Review status: no assertion criteria provided. Collection method: clinical testing. Allele origin: germline. Not counted in ClinVar's aggregate classification.
Comment: This variant is classified as likely benign based on ACMG/AMP sequence variant interpretation guidelines (Richards et al. 2015 PMID: 25741868, with internal and published modifications).

Clinical Genetics, Academic Medical Center
Classification: Likely benign. Review status: no assertion criteria provided. Collection method: clinical testing. Allele origin: germline. Affected: yes. Study: VKGL Data-share Consensus. Not counted in ClinVar's aggregate classification.

Diagnostic Laboratory, Department of Genetics, University Medical Center Groningen
Classification: Likely benign. Review status: no assertion criteria provided. Collection method: clinical testing. Allele origin: germline. Affected: yes. Study: VKGL Data-share Consensus. Not counted in ClinVar's aggregate classification.

NM_133379.5(TTN):c.14167T>C (p.Ser4723Pro)

Genes: TTN (titin; minus strand), LOC126806432 (CDK7 strongly-dependent group 2 enhancer GRCh37_chr2:179611985-179613184; plus strand). Cytogenetic location: 2q31.2.
Variant type: single nucleotide variant.
Coding change: c.14167T>C on transcript NM_133379.5; coding-DNA position 14167, T replaced by C.
Protein change: p.Ser4723Pro; replaces serine 4723 with proline.
Molecular consequence: missense variant. On other transcripts: intron variant (6).
Genome position (GRCh38, 1-based): chr2:178,748,233, A>G on the plus strand (T>C on the coding strand, the complement: TTN is on the minus strand). VCF-style: chr2-178748233-A-G. GRCh37 (hg19) VCF-style: chr2-179612960-A-G.
Other names: c.10222+4891T>C (NM_003319.4); c.10798+4891T>C (NM_133437.4); c.10597+4891T>C (NM_133432.3); c.10360+4891T>C (NM_133378.4, NM_001256850.1); c.11311+4891T>C (NM_001267550.2); c.14167T>C (NM_133379.4); short protein forms S4723P.
Identifiers: ClinVar variation 1284852 (VCV001284852.6), dbSNP rs548985739, ClinGen allele CA2003291.